The following is an entry in ClinVar:

ClinVar aggregate classification (germline): Uncertain significance (1 of 4 stars; one submission).

Submission:

GeneDx
Classification: Uncertain significance. Last evaluated: 2023-01-31. Review status: criteria provided, single submitter. Criteria: GeneDx Variant Classification Process June 2021. Collection method: clinical testing. Allele origin: germline. Affected: yes.
Comment: Not observed at significant frequency in large population cohorts (gnomAD); In silico analysis supports that this missense variant has a deleterious effect on protein structure/function; Has not been previously published as pathogenic or benign to our knowledge

NM_006514.4(SCN10A):c.1209G>C (p.Gln403His)

Gene: SCN10A (sodium voltage-gated channel alpha subunit 10; minus strand). Cytogenetic location: 3p22.2.
Variant type: single nucleotide variant.
Coding change: c.1209G>C on transcript NM_006514.4 (MANE Select); coding-DNA position 1209, G replaced by C.
Protein change: p.Gln403His; replaces glutamine 403 with histidine.
Molecular consequence: missense variant.
Genome position (GRCh38, 1-based): chr3:38,756,755, C>G on the plus strand (G>C on the coding strand, the complement: SCN10A is on the minus strand). VCF-style: chr3-38756755-C-G. GRCh37 (hg19) VCF-style: chr3-38798246-C-G.
Other names: c.1209G>C, p.Gln403His (NM_001293306.2, NM_001293307.2); short protein forms Q403H.
Identifiers: ClinVar variation 2574194 (VCV002574194.1), dbSNP rs773289430, ClinGen allele CA352169733.